The following is an entry in ClinVar:

ClinVar aggregate classification (germline): Uncertain significance. Review status: criteria provided, multiple submitters, no conflicts (2 of 4 stars). 2 submissions from 2 submitters: Uncertain significance (2). Last evaluated 2026-07-06.

Conditions:
Multiple endocrine neoplasia, type 2 (MEN2). Identifiers: Orphanet 653, MedGen C4048306, MONDO:0019003. Disease mechanism: gain of function.
Hereditary cancer-predisposing syndrome. Also called: Neoplastic Syndromes, Hereditary; Hereditary Cancer Syndrome; Hereditary neoplastic syndrome; Tumor predisposition. Identifiers: Orphanet 140162, MedGen C0027672, MeSH D009386, MONDO:0015356.

Allele frequency attached by ClinVar (database versions not stated): gnomAD exomes below 0.00001.
gnomAD v4.1: 1 of 1,585,338 alleles (0.000063%); highest among the groups gnomAD compares: Non-Finnish European, 0.000086%; no homozygotes.

Submissions (2):

Ambry Genetics
Classification: Uncertain significance for Hereditary cancer-predisposing syndrome. Last evaluated: 2026-07-06. Review status: criteria provided, single submitter. Criteria: Ambry Variant Classification Scheme 2023. Collection method: clinical testing. Allele origin: germline.
Comment: The p.V755A variant (also known as c.2264T>C), located in coding exon 12 of the RET gene, results from a T to C substitution at nucleotide position 2264. The valine at codon 755 is replaced by alanine, an amino acid with similar properties. This amino acid position is conserved. In addition, this alteration is predicted to be deleterious by in silico analysis. Based on the available evidence, the clinical significance of this variant remains unclear.

Labcorp Genetics (formerly Invitae), Labcorp
Classification: Uncertain significance for Multiple endocrine neoplasia, type 2. Last evaluated: 2018-05-29. Review status: criteria provided, single submitter. Criteria: Invitae Variant Classification Sherloc (09022015). Collection method: clinical testing. Allele origin: germline.
Comment: In summary, the available evidence is currently insufficient to determine the role of this variant in disease. Therefore, it has been classified as a Variant of Uncertain Significance. Algorithms developed to predict the effect of missense changes on protein structure and function are either unavailable or do not agree on the potential impact of this missense change (SIFT: "Deleterious"; PolyPhen-2: "Probably Damaging"; Align-GVGD: "Class C0"). This variant has not been reported in the literature in individuals with RET-related disease. This variant is not present in population databases (ExAC no frequency). This sequence change replaces valine with alanine at codon 755 of the RET protein (p.Val755Ala). The valine residue is highly conserved and there is a small physicochemical difference between valine and alanine.

NM_020975.6(RET):c.2264T>C (p.Val755Ala)

Gene: RET (ret proto-oncogene; plus strand). Cytogenetic location: 10q11.21.
Variant type: single nucleotide variant.
Coding change: c.2264T>C on transcript NM_020975.6 (MANE Select); coding-DNA position 2264, T replaced by C.
Protein change: p.Val755Ala; replaces valine 755 with alanine.
Molecular consequence: missense variant.
Genome position (GRCh38, 1-based): chr10:43,116,711, T>C. VCF-style: chr10-43116711-T-C. GRCh37 (hg19) VCF-style: chr10-43612159-T-C.
Other names: c.2135T>C, p.Val712Ala (NM_001406762.1, NM_001406764.1, NM_001406761.1); c.2129T>C, p.Val710Ala (NM_001406763.1, NM_001406765.1); c.1976T>C, p.Val659Ala (NM_001406766.1, NM_001406767.1, NM_001406770.1); c.2000T>C, p.Val667Ala (NM_001406768.1); c.1367T>C, p.Val456Ala (NM_001406779.1, NM_001406780.1, NM_001406781.1 and 1 more transcripts); c.1238T>C, p.Val413Ala (NM_001406783.1, NM_001406786.1); c.1274T>C, p.Val425Ala (NM_001406784.1); c.1247T>C, p.Val416Ala (NM_001406785.1); and 10 more; short protein forms V755A, V501A, V456A, V609A, V667A, V272A, V580A, V659A.
Identifiers: ClinVar variation 579107 (VCV000579107.10), dbSNP rs1256848994, ClinGen allele CA376554836.